The following is an entry in ClinVar:

NM_053274.3(GLMN):c.1059C>G (p.Tyr353Ter)

Gene: GLMN (glomulin, FKBP associated protein; minus strand). Cytogenetic location: 1p22.1.
Variant type: single nucleotide variant.
Coding change: c.1059C>G on transcript NM_053274.3 (MANE Select); coding-DNA position 1059, C replaced by G.
Protein change: p.Tyr353Ter; replaces tyrosine 353 with a stop codon.
Molecular consequence: nonsense. On other transcripts: non-coding transcript variant (1).
Genome position (GRCh38, 1-based): chr1:92,267,952, G>C on the plus strand (C>G on the coding strand, the complement: GLMN is on the minus strand). VCF-style: chr1-92267952-G-C. GRCh37 (hg19) VCF-style: chr1-92733509-G-C.
Other names: c.1059C>G, p.Tyr353Ter (NM_001319683.2); short protein forms Y353*.
Identifiers: ClinVar variation 4974624 (VCV004974624.1).
Genomic context (GRCh38, chr1:92,267,952, plus strand): 5'-TAGAATACATATTTTATTTACCTGAGGTACAGTAAGAAAACTCTTGATTTCTAAGTACTG[G>C]TAAAGTAGACTATTGTCTTCTATTCTCAATAAACTATTCTCCAGCAGCTCCTACAGATTA-3'

ClinVar aggregate classification (germline): Likely pathogenic (1 of 4 stars; one submission).

Conditions:
Glomuvenous malformation. Also called: GLOMANGIOMAS, MULTIPLE; GLOMUS TUMORS, MULTIPLE; VENOUS MALFORMATIONS WITH GLOMUS CELLS; Familial glomangioma. Identifiers: Orphanet 83454, MedGen C1841984, MONDO:0007672, OMIM 138000.

Submission:

Clinical Genomics Laboratory, Washington University in St. Louis
Classification: Likely pathogenic for Glomuvenous malformation. Last evaluated: 2026-02-18. Review status: criteria provided, single submitter. Criteria: ACMG Guidelines, 2015. Collection method: clinical testing. Allele origin: germline. Affected: yes.
Comment: A GLMN c.1059C>G (p.Tyr353*) variant was identified at a near heterozygous allelic fraction of 61.6%, a frequency which may be consistent with germline origin. This variant, to our knowledge, has not been reported in the medical literature or in the ClinVar database. It is absent from the general population (gnomAD v4.1.0), indicating it is not a common variant. The GLMN c.1059C>G (p.Tyr353*) variant leads to a premature termination codon, which is predicted to lead to nonsense mediated decay. Based on available information and the ACMG/AMP guidelines for variant interpretation (Richards S et al., PMID: 25741868), this variant is classified as likely pathogenic.